The following is an entry in ClinVar:

NM_001286577.2(C2CD3):c.4112A>T (p.His1371Leu)

Gene: C2CD3 (C2 domain containing 3 centriole elongation regulator; minus strand). Cytogenetic location: 11q13.4.
Variant type: single nucleotide variant.
Coding change: c.4112A>T on transcript NM_001286577.2 (MANE Select); coding-DNA position 4112, A replaced by T.
Protein change: p.His1371Leu; replaces histidine 1371 with leucine.
Molecular consequence: missense variant.
Genome position (GRCh38, 1-based): chr11:74,078,606, T>A on the plus strand (A>T on the coding strand, the complement: C2CD3 is on the minus strand). VCF-style: chr11-74078606-T-A. GRCh37 (hg19) VCF-style: chr11-73789651-T-A.
Other names: c.4112A>T, p.His1371Leu (NM_015531.6); short protein forms H1371L.
Identifiers: ClinVar variation 1360443 (VCV001360443.8), dbSNP rs1955182487, ClinGen allele CA381818830.
Genomic context (GRCh38, chr11:74,078,606, plus strand): 5'-TTCTCAAAGCTCCAGCCCAAATGCTCAGCAGCTTCCAACACCCGTTCTCTATCTCCACGA[T>A]GCGTGAAGGAAATCGAAAGCTCCAGACCACCCACGATCTTCTGCATGAGCTCCAGGCCAT-3'
Protein context (NP_001273506.1, residues 1361-1381): GGLELSISFT[His1371Leu]RGDRERVLEA

ClinVar aggregate classification (germline): Uncertain significance (1 of 4 stars; one submission).

Submission:

Labcorp Genetics (formerly Invitae), Labcorp
Classification: Uncertain significance. Last evaluated: 2021-06-12. Review status: criteria provided, single submitter. Criteria: Invitae Variant Classification Sherloc (09022015). Collection method: clinical testing. Allele origin: germline.
Comment: In summary, the available evidence is currently insufficient to determine the role of this variant in disease. Therefore, it has been classified as a Variant of Uncertain Significance. Algorithms developed to predict the effect of missense changes on protein structure and function are either unavailable or do not agree on the potential impact of this missense change (SIFT: "Deleterious"; PolyPhen-2: "Possibly Damaging"; Align-GVGD: "Class C0"). This variant has not been reported in the literature in individuals with C2CD3-related conditions. This variant is not present in population databases (ExAC no frequency). This sequence change replaces histidine with leucine at codon 1371 of the C2CD3 protein (p.His1371Leu). The histidine residue is highly conserved and there is a moderate physicochemical difference between histidine and leucine.